The following is an entry in ClinVar:

NM_003906.5(MCM3AP):c.1876G>A (p.Asp626Asn)

Gene: MCM3AP (minichromosome maintenance complex component 3 associated protein; minus strand). Cytogenetic location: 21q22.3.
Variant type: single nucleotide variant.
Coding change: c.1876G>A on transcript NM_003906.5 (MANE Select); coding-DNA position 1876, G replaced by A.
Protein change: p.Asp626Asn; replaces aspartic acid 626 with asparagine.
Molecular consequence: missense variant.
Genome position (GRCh38, 1-based): chr21:46,275,308, C>T on the plus strand (G>A on the coding strand, the complement: MCM3AP is on the minus strand). VCF-style: chr21-46275308-C-T. GRCh37 (hg19) VCF-style: chr21-47695222-C-T.
Other names: short protein forms D626N.
Identifiers: ClinVar variation 4777570 (VCV004777570.1).

ClinVar aggregate classification (germline): Uncertain significance (1 of 4 stars; one submission).

gnomAD v4.1: 2 of 1,613,212 alleles (0.00012%); highest among the groups gnomAD compares: Non-Finnish European, 0.00017%; no homozygotes.

Submission:

Labcorp Genetics (formerly Invitae), Labcorp
Classification: Uncertain significance. Last evaluated: 2025-10-18. Review status: criteria provided, single submitter. Criteria: Invitae Variant Classification Sherloc (09022015). Collection method: clinical testing. Allele origin: germline.
Comment: This sequence change replaces aspartic acid, which is acidic and polar, with asparagine, which is neutral and polar, at codon 626 of the MCM3AP protein (p.Asp626Asn). This variant is present in population databases (rs775028376, gnomAD 0.0009%). This variant has not been reported in the literature in individuals affected with MCM3AP-related conditions. An algorithm developed to predict the effect of missense changes on protein structure and function (PolyPhen-2) suggests that this variant is likely to be disruptive. In summary, the available evidence is currently insufficient to determine the role of this variant in disease. Therefore, it has been classified as a Variant of Uncertain Significance.